The following is an entry in ClinVar:

ClinVar aggregate classification (germline): Likely benign. Review status: criteria provided, single submitter (1 of 4 stars). 2 submissions from 2 submitters: Likely benign (1). 1 of the submissions does not count toward it. Last evaluated 2022-09-10.

Conditions:
TBK1-related disorder. Also called: TBK1-related condition.
Frontotemporal dementia and/or amyotrophic lateral sclerosis 4. Also called: FTDALS4. Identifiers: Orphanet 275872, MedGen C4225325, MONDO:0014641, OMIM 616439.

Allele frequency attached by ClinVar (database versions not stated): gnomAD exomes 0.00001; ExAC 0.00002; TOPMed 0.00002; gnomAD 0.00004; ESP Exome Variant Server 0.00008.
gnomAD v4.1: 26 of 1,613,822 alleles (0.0016%); highest among the groups gnomAD compares: South Asian, 0.0099%; no homozygotes.

Submissions (2):

Labcorp Genetics (formerly Invitae), Labcorp
Classification: Likely benign for Frontotemporal dementia and/or amyotrophic lateral sclerosis 4. Last evaluated: 2022-09-10. Review status: criteria provided, single submitter. Criteria: Invitae Variant Classification Sherloc (09022015). Collection method: clinical testing. Allele origin: germline.

PreventionGenetics, part of Exact Sciences
Classification: Likely benign for TBK1-related condition. Last evaluated: 2021-04-06. Review status: no assertion criteria provided. Collection method: clinical testing. Allele origin: germline. Not counted in ClinVar's aggregate classification.
Comment: This variant is classified as likely benign based on ACMG/AMP sequence variant interpretation guidelines (Richards et al. 2015 PMID: 25741868, with internal and published modifications).

NM_013254.4(TBK1):c.1062C>T (p.Tyr354=)

Gene: TBK1 (TANK binding kinase 1; plus strand). Cytogenetic location: 12q14.2.
Variant type: single nucleotide variant.
Coding change: c.1062C>T on transcript NM_013254.4 (MANE Select); coding-DNA position 1062, C replaced by T.
Protein change: p.Tyr354=; no amino-acid change (tyrosine 354 retained).
Molecular consequence: synonymous variant.
Genome position (GRCh38, 1-based): chr12:64,484,372, C>T. VCF-style: chr12-64484372-C-T. GRCh37 (hg19) VCF-style: chr12-64878152-C-T.
Other names: c.1062C>T (NM_013254.3).
Identifiers: ClinVar variation 1632681 (VCV001632681.10), dbSNP rs141340205, ClinGen allele CA6668962.